The following is an entry in ClinVar:

ClinVar aggregate classification (germline): Uncertain significance (1 of 4 stars; one submission).

Conditions:
Inborn genetic diseases. Identifiers: MedGen C0950123, MeSH D030342.

Submission:

Ambry Genetics
Classification: Uncertain significance for Inborn genetic diseases. Last evaluated: 2018-01-19. Review status: criteria provided, single submitter. Criteria: Ambry Variant Classification Scheme 2023. Collection method: clinical testing. Allele origin: germline.
Comment: The p.V1371L variant (also known as c.4111G>C), located in coding exon 26 of the VPS13B gene, results from a G to C substitution at nucleotide position 4111. The valine at codon 1371 is replaced by leucine, an amino acid with highly similar properties. This amino acid position is not well conserved in available vertebrate species. In addition, this alteration is predicted to be tolerated by in silico analysis. Since supporting evidence is limited at this time, the clinical significance of this alteration remains unclear.

NM_152564.5(VPS13B):c.4111G>C (p.Val1371Leu)

Gene: VPS13B (vacuolar protein sorting 13 homolog B; plus strand). Cytogenetic location: 8q22.2.
Variant type: single nucleotide variant.
Coding change: c.4111G>C on transcript NM_152564.5 (MANE Select); coding-DNA position 4111, G replaced by C.
Protein change: p.Val1371Leu; replaces valine 1371 with leucine.
Molecular consequence: missense variant.
Genome position (GRCh38, 1-based): chr8:99,502,904, G>C. VCF-style: chr8-99502904-G-C. GRCh37 (hg19) VCF-style: chr8-100515132-G-C.
Other names: c.4111G>C, p.Val1371Leu (NM_017890.5); short protein forms V1371L.
Identifiers: ClinVar variation 1737934 (VCV001737934.2), dbSNP rs1220750873, ClinGen allele CA371870040.